The following is an entry in ClinVar:

NM_001943.5(DSG2):c.2480_2712del (p.Asp827fs)

Genes: DSG2 (desmoglein 2; plus strand), DSG2-AS1 (DSG2 antisense RNA 1; minus strand). Cytogenetic location: 18q12.1.
Variant type: Deletion.
Coding change: c.2480_2712del on transcript NM_001943.5 (MANE Select); coding-DNA positions 2480 to 2712, 233 bases deleted.
Protein change: p.Asp827fs; shifts the reading frame from aspartic acid 827.
Molecular consequence: frameshift variant.
Genome position (GRCh38, 1-based): chr18:31,545,866-31,546,098, 233 bases deleted. GRCh37 (hg19): chr18:29,125,829-29,126,061.
Other names: short protein forms D827fs.
Identifiers: ClinVar variation 1075858 (VCV001075858.9), dbSNP rs2144359029, ClinGen allele CA2499225127.

ClinVar aggregate classification (germline): Pathogenic (1 of 4 stars; one submission).

Conditions:
Arrhythmogenic right ventricular dysplasia 10. Also called: Arrhythmogenic right ventricular dysplasia/cardiomyopathy, type 10; Arrhythmogenic Right Ventricular Dysplasia/Cardiomyopathy10; ARRHYTHMOGENIC RIGHT VENTRICULAR DYSPLASIA, FAMILIAL, 10. Identifiers: MedGen C1857777, MONDO:0012434, OMIM 610193.

Submission:

Labcorp Genetics (formerly Invitae), Labcorp
Classification: Pathogenic for Arrhythmogenic right ventricular dysplasia 10. Last evaluated: 2020-08-09. Review status: criteria provided, single submitter. Criteria: Invitae Variant Classification Sherloc (09022015). Collection method: clinical testing. Allele origin: germline.
Comment: For these reasons, this variant has been classified as Pathogenic. This variant disrupts the C-terminus of the DSG2 protein. Other variant(s) that disrupt this region (p.Glu1020Alafs*18) have been determined to be pathogenic (PMID: 21397041, 20864495, 23381804). This suggests that variants that disrupt this region of the protein are likely to be causative of disease. This variant has not been reported in the literature in individuals with DSG2-related conditions. This variant is not present in population databases (ExAC no frequency). This sequence change results in a premature translational stop signal in the DSG2 gene (p.Asp827Glyfs*5). While this is not anticipated to result in nonsense mediated decay, it is expected to disrupt the last 292 amino acids of the DSG2 protein.

Literature cited by the submitters: PubMed 21397041; PubMed 20864495; PubMed 23381804.